The following is an entry in ClinVar:

ClinVar aggregate classification (germline): Uncertain significance. Review status: criteria provided, multiple submitters, no conflicts (2 of 4 stars). 2 submissions from 2 submitters: Uncertain significance (2). Last evaluated 2024-08-07.

Conditions:
Inborn genetic diseases. Identifiers: MedGen C0950123, MeSH D030342.
Charcot-Marie-Tooth disease axonal type 2P. Also called: CHARCOT-MARIE-TOOTH NEUROPATHY, TYPE 2P; CHARCOT-MARIE-TOOTH DISEASE, AXONAL, TYPE 2G; CMT 2G; Charcot-Marie-Tooth Neuropathy Type 2G. Identifiers: Orphanet 300319, Orphanet 99941, MedGen C3280797, MONDO:0013753, OMIM 614436.

Allele frequency attached by ClinVar (database versions not stated): TOPMed 0.00005; ESP Exome Variant Server 0.00008.
gnomAD v4.1: 33 of 1,612,980 alleles (0.002%); highest among the groups gnomAD compares: African/African-American, 0.0067%; no homozygotes.

Submissions (2):

Labcorp Genetics (formerly Invitae), Labcorp
Classification: Uncertain significance for Charcot-Marie-Tooth disease axonal type 2P. Last evaluated: 2024-08-07. Review status: criteria provided, single submitter. Criteria: Invitae Variant Classification Sherloc (09022015). Collection method: clinical testing. Allele origin: germline.
Comment: This sequence change replaces arginine, which is basic and polar, with tryptophan, which is neutral and slightly polar, at codon 624 of the LRSAM1 protein (p.Arg624Trp). This variant is present in population databases (rs375938990, gnomAD 0.004%). This variant has not been reported in the literature in individuals affected with LRSAM1-related conditions. ClinVar contains an entry for this variant (Variation ID: 960769). Advanced modeling of protein sequence and biophysical properties (such as structural, functional, and spatial information, amino acid conservation, physicochemical variation, residue mobility, and thermodynamic stability) performed at Invitae indicates that this missense variant is not expected to disrupt LRSAM1 protein function with a negative predictive value of 80%. In summary, the available evidence is currently insufficient to determine the role of this variant in disease. Therefore, it has been classified as a Variant of Uncertain Significance.

Ambry Genetics
Classification: Uncertain significance for Inborn genetic diseases. Last evaluated: 2024-03-08. Review status: criteria provided, single submitter. Criteria: Ambry Variant Classification Scheme 2023. Collection method: clinical testing. Allele origin: germline.

NM_001005373.4(LRSAM1):c.1870C>T (p.Arg624Trp)

Gene: LRSAM1 (leucine rich repeat and sterile alpha motif containing 1; plus strand). Cytogenetic location: 9q33.3.
Variant type: single nucleotide variant.
Coding change: c.1870C>T on transcript NM_001005373.4 (MANE Select); coding-DNA position 1870, C replaced by T.
Protein change: p.Arg624Trp; replaces arginine 624 with tryptophan.
Molecular consequence: missense variant. On other transcripts: non-coding transcript variant (2).
Genome position (GRCh38, 1-based): chr9:127,497,292, C>T. VCF-style: chr9-127497292-C-T. GRCh37 (hg19) VCF-style: chr9-130259571-C-T.
Other names: c.1870C>T (NM_138361.4); c.1870C>T, p.Arg624Trp (NM_001005374.4, NM_001384142.1, NM_138361.5); c.1789C>T, p.Arg597Trp (NM_001190723.3); c.1771C>T, p.Arg591Trp (NM_001384143.1); c.1081C>T, p.Arg361Trp (NM_001384144.1); short protein forms R597W, R624W, R361W, R591W.
Identifiers: ClinVar variation 960769 (VCV000960769.11), dbSNP rs375938990, ClinGen allele CA199852489.